The following is an entry in ClinVar:

NM_032242.4(PLXNA1):c.4121C>T (p.Thr1374Met)

Gene: PLXNA1 (plexin A1; plus strand). Cytogenetic location: 3q21.3.
Variant type: single nucleotide variant.
Coding change: c.4121C>T on transcript NM_032242.4 (MANE Select); coding-DNA position 4121, C replaced by T.
Protein change: p.Thr1374Met; replaces threonine 1374 with methionine.
Molecular consequence: missense variant.
Genome position (GRCh38, 1-based): chr3:127,022,167, C>T. VCF-style: chr3-127022167-C-T. GRCh37 (hg19) VCF-style: chr3-126741010-C-T.
Other names: c.4121C>T (NM_032242.3); short protein forms T1374M.
Identifiers: ClinVar variation 4963993 (VCV004963993.2).

ClinVar aggregate classification (germline): Uncertain significance. Review status: criteria provided, multiple submitters, no conflicts (2 of 4 stars). 2 submissions from 2 submitters: Uncertain significance (2). Last evaluated 2026-03-10.

Conditions:
PLXNA1-related disorder. Also called: PLXNA1-related condition.

gnomAD v4.1: 28 of 1,613,300 alleles (0.0017%); highest among the groups gnomAD compares: Middle Eastern, 0.016%; no homozygotes.

Submissions (2):

PreventionGenetics, part of Exact Sciences
Classification: Uncertain significance for PLXNA1-related condition. Last evaluated: 2026-03-10. Review status: criteria provided, single submitter. Criteria: ACMG Guidelines, 2015. Collection method: clinical testing. Allele origin: germline.
Comment: The PLXNA1 c.4121C>T variant is predicted to result in the amino acid substitution p.Thr1374Met. To our knowledge, this variant has not been reported in the literature. This variant is reported in 0.00089% of alleles in individuals of European (Non-Finnish) descent in gnomAD. At this time, the clinical significance of this variant is uncertain due to the absence of conclusive functional and genetic evidence.

Blueprint Genetics
Classification: Uncertain significance. Last evaluated: 2023-02-28. Review status: criteria provided, single submitter. Criteria: ACMG Guidelines, 2015. Collection method: clinical testing. Allele origin: germline.